The following is an entry in ClinVar:

ClinVar aggregate classification (germline): Conflicting classifications of pathogenicity. Review status: criteria provided, conflicting classifications (1 of 4 stars). 12 submissions from 11 submitters: Uncertain significance (7); Benign (1); Likely benign (2). 2 of the submissions do not count toward it. Last evaluated 2026-08-01.

Conditions:
Emery-Dreifuss muscular dystrophy 4, autosomal dominant (EDMD4). Also called: EMERY-DREIFUSS MUSCULAR DYSTROPHY 4 WITH VARIABLE FEATURES. Identifiers: Orphanet 261, MedGen C2751807, MONDO:0013071, OMIM 612998.
Autosomal recessive ataxia, Beauce type. Also called: SYNE1-Related Autosomal Recessive Cerebellar Ataxia; SYNE1 Deficiency; ATAXIA, RECESSIVE, OF BEAUCE; Spinocerebellar ataxia, autosomal recessive 8. Identifiers: Orphanet 88644, MedGen C1853116, MONDO:0012549, OMIM 610743.
SYNE1-related disorder. Also called: SYNE1-related disorders; SYNE1-related disease; SYNE1-related condition.

Allele frequency attached by ClinVar (database versions not stated): gnomAD 0.00026 and 0.00029; ExAC 0.00030; TOPMed 0.00034; gnomAD exomes 0.00035 and 0.00047; ESP Exome Variant Server 0.00038.
gnomAD v4.1: 707 of 1,613,870 alleles (0.044%); highest among the groups gnomAD compares: Non-Finnish European, 0.055%; 1 homozygote.

Submissions (12):

CeGaT Center for Human Genetics Tuebingen
Classification: Likely benign. Last evaluated: 2026-08-01. Review status: criteria provided, single submitter. Criteria: CeGaT Center For Human Genetics Tuebingen Variant Classification Criteria Version 2. Collection method: clinical testing. Allele origin: germline. Affected: yes. Observed: 3 variant alleles.
Comment: SYNE1: BP4

Mayo Clinic Laboratories, Mayo Clinic
Classification: Uncertain significance. Last evaluated: 2025-07-25. Review status: criteria provided, single submitter. Criteria: ACMG Guidelines, 2015. Collection method: clinical testing. Allele origin: germline. Observed: 1 variant allele.

GeneDx
Classification: Uncertain significance. Last evaluated: 2025-07-18. Review status: criteria provided, single submitter. Criteria: GeneDx Variant Classification Process June 2021. Collection method: clinical testing. Allele origin: germline. Affected: yes.
Comment: Reported as a heterozygous variant in a patient with urinary urgency and incontinence, abnormal eye movement, gait and limb ataxia, impaired vibratory and tactile sensation, progressive spastic paraparesis, distal lower limb amyotrophy, impaired proprioception, and sensory ataxia in published literature; however, segregation information was not provided (PMID: 37926714); In silico analysis supports that this missense variant has a deleterious effect on protein structure/function; This variant is associated with the following publications: (PMID: 31090900, 37926714)

PreventionGenetics, part of Exact Sciences
Classification: Uncertain significance for SYNE1-related condition. Last evaluated: 2025-01-02. Review status: criteria provided, single submitter. Criteria: ACMG Guidelines, 2015. Collection method: clinical testing. Allele origin: germline.
Comment: The SYNE1 c.19517G>A variant is predicted to result in the amino acid substitution p.Arg6506Gln. To our knowledge, this variant has not been reported in the literature. This variant is reported in 0.065% of alleles in individuals of Latino descent in gnomAD. At this time, the clinical significance of this variant is uncertain due to the absence of conclusive functional and genetic evidence.

Blueprint Genetics
Classification: Uncertain significance. Last evaluated: 2024-10-31. Review status: criteria provided, single submitter. Criteria: ACMG Guidelines, 2015. Collection method: clinical testing. Allele origin: germline.

Athena Diagnostics
Classification: Likely benign. Last evaluated: 2024-03-20. Review status: criteria provided, single submitter. Criteria: Athena Diagnostics Criteria. Collection method: clinical testing. Allele origin: unknown.

Labcorp Genetics (formerly Invitae), Labcorp
Classification: Uncertain significance for Emery-Dreifuss muscular dystrophy 4, autosomal dominant; Autosomal recessive ataxia, Beauce type. Last evaluated: 2022-10-17. Review status: criteria provided, single submitter. Criteria: Invitae Variant Classification Sherloc (09022015). Collection method: clinical testing. Allele origin: germline.
Comment: This sequence change replaces arginine, which is basic and polar, with glutamine, which is neutral and polar, at codon 6506 of the SYNE1 protein (p.Arg6506Gln). This variant is present in population databases (rs150387338, gnomAD 0.06%). This variant has not been reported in the literature in individuals affected with SYNE1-related conditions. ClinVar contains an entry for this variant (Variation ID: 288606). Algorithms developed to predict the effect of missense changes on protein structure and function are either unavailable or do not agree on the potential impact of this missense change (SIFT: "Deleterious"; PolyPhen-2: "Probably Damaging"; Align-GVGD: "Class C0"). In summary, the available evidence is currently insufficient to determine the role of this variant in disease. Therefore, it has been classified as a Variant of Uncertain Significance.

Illumina Laboratory Services, Illumina
Classification: Uncertain significance for Autosomal recessive ataxia, Beauce type. Last evaluated: 2018-01-13. Review status: criteria provided, single submitter. Criteria: ICSL Variant Classification Criteria 13 December 2019. Collection method: clinical testing. Allele origin: germline.

Illumina Laboratory Services, Illumina
Classification: Benign for Emery-Dreifuss muscular dystrophy 4, autosomal dominant. Last evaluated: 2018-01-13. Review status: criteria provided, single submitter. Criteria: ICSL Variant Classification Criteria 13 December 2019. Collection method: clinical testing. Allele origin: germline.
Comment: This variant was observed in the ICSL laboratory as part of a predisposition screen in an ostensibly healthy population. It had not been previously curated by ICSL or reported in the Human Gene Mutation Database (HGMD: prior to June 1st, 2018), and was therefore a candidate for classification through an automated scoring system. Utilizing variant allele frequency, disease prevalence and penetrance estimates, and inheritance mode, an automated score was calculated to assess if this variant is too frequent to cause the disease. Based on the score and internal cut-off values, a variant classified as benign is not then subjected to further curation. The score for this variant resulted in a classification of benign for this disease.

Eurofins Ntd Llc (ga)
Classification: Uncertain significance. Last evaluated: 2017-06-06. Review status: criteria provided, single submitter. Criteria: EGL Classification Definitions 2015. Collection method: clinical testing. Allele origin: germline. Observed: 2 variant alleles, 2 heterozygotes.

Clinical Genetics DNA and cytogenetics Diagnostics Lab, Erasmus MC, Erasmus Medical Center
Classification: Uncertain significance. Review status: no assertion criteria provided. Collection method: clinical testing. Allele origin: germline. Affected: yes. Study: VKGL Data-share Consensus. Not counted in ClinVar's aggregate classification.

Diagnostic Laboratory, Department of Genetics, University Medical Center Groningen
Classification: Uncertain significance. Review status: no assertion criteria provided. Collection method: clinical testing. Allele origin: germline. Affected: yes. Study: VKGL Data-share Consensus. Not counted in ClinVar's aggregate classification.

Literature cited by the submitters: PubMed 31090900 (cited by Athena Diagnostics); PubMed 37926714 (cited by Athena Diagnostics).

NM_182961.4(SYNE1):c.19730G>A (p.Arg6577Gln)

Gene: SYNE1 (spectrin repeat containing nuclear envelope protein 1; minus strand). Cytogenetic location: 6q25.2.
Variant type: single nucleotide variant.
Coding change: c.19730G>A on transcript NM_182961.4 (MANE Select); coding-DNA position 19730, G replaced by A.
Protein change: p.Arg6577Gln; replaces arginine 6577 with glutamine.
Molecular consequence: missense variant.
Genome position (GRCh38, 1-based): chr6:152,242,403, C>T on the plus strand (G>A on the coding strand, the complement: SYNE1 is on the minus strand). VCF-style: chr6-152242403-C-T. GRCh37 (hg19) VCF-style: chr6-152563538-C-T.
Other names: p.Arg6506Gln; c.19517G>A, p.Arg6506Gln (NM_033071.5); short protein forms R6506Q, R6577Q.
Identifiers: ClinVar variation 288606 (VCV000288606.45), dbSNP rs150387338, ClinGen allele CA4054580.